The following is an entry in ClinVar:

NM_000492.4(CFTR):c.3605del (p.Asp1202fs)

Genes: CFTR (CF transmembrane conductance regulator; plus strand), CFTR-AS2 (CFTR antisense RNA 2; minus strand). Cytogenetic location: 7q31.2.
Variant type: Deletion.
Coding change: c.3605del on transcript NM_000492.4 (MANE Select); coding-DNA position 3605, one base deleted (A; older notation c.3605delA).
Protein change: p.Asp1202fs; shifts the reading frame from aspartic acid 1202.
Molecular consequence: frameshift variant.
Genome position (GRCh38, 1-based): chr7:117,627,658, A deleted. VCF-style (leftmost placement, unchanged base first): chr7-117627657-GA-G. GRCh37 (hg19) VCF-style: chr7-117267711-GA-G.
Other names: 3737delA; c.3605delA (NM_000492.3); short protein forms D1202fs.
Identifiers: ClinVar variation 53777 (VCV000053777.12), dbSNP rs397508587, ClinGen allele CA327239.

ClinVar aggregate classification (germline): Pathogenic. Review status: reviewed by expert panel (3 of 4 stars). 5 submissions from 5 submitters: Pathogenic (1). 4 of the submissions do not count toward it. Last evaluated 2017-03-17.

Conditions:
CFTR-related disorder (CFTR-RD). Also called: CFTR-related condition; CFTR-related disorders. Identifiers: MedGen C5924204, MONDO:7770004.
Bronchiectasis with or without elevated sweat chloride 1 (BESC1). Also called: Cystic Fibrosis-Like Syndrome. Identifiers: Orphanet 60033, MedGen C2749757, MONDO:0008887, OMIM 211400.
Congenital bilateral aplasia of vas deferens from CFTR mutation (CBAVD). Identifiers: Orphanet 48, MedGen C0403814, MONDO:0010178, OMIM 277180. Disease mechanism: loss of function.
Cystic fibrosis (CF). Also called: MUCOVISCIDOSIS. Identifiers: Orphanet 586, MedGen C0010674, MONDO:0009061, OMIM 219700. Disease mechanism: loss of function.
Hereditary pancreatitis (PCTT). Also called: PRSS1-Related Hereditary Pancreatitis; Hereditary chronic pancreatitis. Identifiers: Orphanet 676, MedGen C0238339, MONDO:0008185, OMIM 167800.

Submissions (5):

CFTR2
Classification: Pathogenic for Cystic fibrosis. Last evaluated: 2017-03-17. Review status: reviewed by expert panel. Criteria: Sosnay PR et al. (Nat Genet 2013). Collection method: research. Allele origin: germline. Affected: yes. Study: CFTR2.

Fulgent Genetics
Classification: Pathogenic for Hereditary pancreatitis; Bronchiectasis with or without elevated sweat chloride 1; Cystic fibrosis; Congenital bilateral aplasia of vas deferens from CFTR mutation. Last evaluated: 2024-04-05. Review status: criteria provided, single submitter. Criteria: ACMG Guidelines, 2015. Collection method: clinical testing. Allele origin: germline. Not counted in ClinVar's aggregate classification.

Labcorp Genetics (formerly Invitae), Labcorp
Classification: Pathogenic for Cystic fibrosis. Last evaluated: 2020-04-30. Review status: criteria provided, single submitter. Criteria: Invitae Variant Classification Sherloc (09022015). Collection method: clinical testing. Allele origin: germline. Not counted in ClinVar's aggregate classification.
Comment: This sequence change creates a premature translational stop signal (p.Asp1202Alafs*9) in the CFTR gene. It is expected to result in an absent or disrupted protein product. This variant is not present in population databases (ExAC no frequency). This variant has been observed in individual(s) with CFTR-related conditions (PMID: 1284537, 21520337). This variant is also known as 3737delA in the literature. ClinVar contains an entry for this variant (Variation ID: 53777). Loss-of-function variants in CFTR are known to be pathogenic (PMID: 1695717, 7691345, 9725922). For these reasons, this variant has been classified as Pathogenic.

CFTR-France
Classification: Pathogenic for cystic fibrosis. Last evaluated: 2018-01-29. Review status: criteria provided, single submitter. Criteria: Claustres M et al. (Hum Mutat 2017). Collection method: curation. Allele origin: germline. Affected: yes. Not counted in ClinVar's aggregate classification.

Natera, Inc.
Classification: Pathogenic for CFTR-related disorders. Last evaluated: 2017-03-17. Review status: no assertion criteria provided. Collection method: clinical testing. Allele origin: germline. Not counted in ClinVar's aggregate classification.

Literature cited by the submitters: PubMed 1284537 (cited by Labcorp Genetics (formerly Invitae), Labcorp); PubMed 21520337 (cited by Labcorp Genetics (formerly Invitae), Labcorp); PubMed 1695717 (cited by Labcorp Genetics (formerly Invitae), Labcorp); PubMed 7691345 (cited by Labcorp Genetics (formerly Invitae), Labcorp); PubMed 9725922 (cited by Labcorp Genetics (formerly Invitae), Labcorp).